The following is an entry in ClinVar:

ClinVar aggregate classification (germline): Uncertain significance (1 of 4 stars; one submission).

Submission:

GeneDx
Classification: Uncertain significance. Last evaluated: 2022-04-29. Review status: criteria provided, single submitter. Criteria: GeneDx Variant Classification Process June 2021. Collection method: clinical testing. Allele origin: germline. Affected: yes.
Comment: Not observed at significant frequency in large population cohorts (gnomAD); In silico analysis supports that this missense variant does not alter protein structure/function; Has not been previously published as pathogenic or benign to our knowledge

NM_181552.4(CUX1):c.4096G>A (p.Val1366Met)

Gene: CUX1 (cut like homeobox 1; plus strand). Cytogenetic location: 7q22.1.
Variant type: single nucleotide variant.
Coding change: c.4096G>A on transcript NM_181552.4 (MANE Select); coding-DNA position 4096, G replaced by A.
Protein change: p.Val1366Met; replaces valine 1366 with methionine.
Molecular consequence: missense variant. On other transcripts: intron variant (5).
Genome position (GRCh38, 1-based): chr7:102,248,620, G>A. VCF-style: chr7-102248620-G-A. GRCh37 (hg19) VCF-style: chr7-101891900-G-A.
Other names: c.4129G>A, p.Val1377Met (NM_001202543.2); c.1256-24746G>A (NM_001913.5); c.1250-24746G>A (NM_181500.4); c.1118-24746G>A (NM_001202545.3); c.1208-24746G>A (NM_001202544.3); c.1139-24746G>A (NM_001202546.3); short protein forms V1366M, V1377M.
Identifiers: ClinVar variation 1712575 (VCV001712575.2), dbSNP rs2486375261, ClinGen allele CA368668835.
Genomic context (GRCh38, chr7:102,248,620, plus strand): 5'-GGCCCAGGCAGCGCCGACACCGAGGAGCCCAAGTCTCAGGGAGAGGCCGAGCGGGAGGAG[G>A]TGCCGCGGCCGGCGGAGCAGACGGAGCCGCCGCCCTCGGGGACCCCGGGCCCGGACGACG-3'
Protein context (NP_853530.2, residues 1356-1376): KSQGEAEREE[Val1366Met]PRPAEQTEPP